The following is an entry in ClinVar:

ClinVar aggregate classification (germline): Likely benign. Review status: criteria provided, multiple submitters, no conflicts (2 of 4 stars). 2 submissions from 2 submitters: Likely benign (2). Last evaluated 2026-08-01.

gnomAD v4.1: 573 of 1,614,042 alleles (0.036%); highest among the groups gnomAD compares: East Asian, 0.62%; 5 homozygotes.

Submissions (23):

CeGaT Center for Human Genetics Tuebingen
Classification: Likely benign. Last evaluated: 2026-08-01. Review status: criteria provided, single submitter. Criteria: CeGaT Center For Human Genetics Tuebingen Variant Classification Criteria Version 2. Collection method: clinical testing. Allele origin: germline. Affected: yes. Observed: 1 variant allele.
Comment: HNRNPH1: BP4, BP7

Blueprint Genetics
Classification: Likely benign. Last evaluated: 2024-11-21. Review status: criteria provided, single submitter. Criteria: ACMG Guidelines, 2015. Collection method: clinical testing. Allele origin: germline.

Dr. Peter K. Rogan Lab, Western University
No classification provided (evidence only). Condition: Malignant tumor of urinary bladder. Review status: no classification provided. Collection method: in vitro. Allele origin: not applicable. Functional consequence: retained intron. Not counted in ClinVar's aggregate classification.

Dr. Peter K. Rogan Lab, Western University
No classification provided (evidence only). Condition: Malignant tumor of urinary bladder. Review status: no classification provided. Collection method: in vitro. Allele origin: not applicable. Functional consequence: retained intron. Not counted in ClinVar's aggregate classification.

Dr. Peter K. Rogan Lab, Western University
No classification provided (evidence only). Condition: Clear cell carcinoma of kidney. Review status: no classification provided. Collection method: in vitro. Allele origin: not applicable. Functional consequence: retained intron. Not counted in ClinVar's aggregate classification.

Dr. Peter K. Rogan Lab, Western University
No classification provided (evidence only). Condition: Lung cancer. Review status: no classification provided. Collection method: in vitro. Allele origin: not applicable. Functional consequence: retained intron. Not counted in ClinVar's aggregate classification.

Dr. Peter K. Rogan Lab, Western University
No classification provided (evidence only). Condition: Melanoma. Review status: no classification provided. Collection method: in vitro. Allele origin: not applicable. Functional consequence: retained intron. Not counted in ClinVar's aggregate classification.

Dr. Peter K. Rogan Lab, Western University
No classification provided (evidence only). Condition: Familial cancer of breast. Review status: no classification provided. Collection method: in vitro. Allele origin: not applicable. Functional consequence: retained intron. Not counted in ClinVar's aggregate classification.

Dr. Peter K. Rogan Lab, Western University
No classification provided (evidence only). Condition: Familial cancer of breast. Review status: no classification provided. Collection method: in vitro. Allele origin: not applicable. Functional consequence: retained intron. Not counted in ClinVar's aggregate classification.

Dr. Peter K. Rogan Lab, Western University
No classification provided (evidence only). Condition: Thyroid cancer, nonmedullary, 1. Review status: no classification provided. Collection method: in vitro. Allele origin: not applicable. Functional consequence: retained intron. Not counted in ClinVar's aggregate classification.

Dr. Peter K. Rogan Lab, Western University
No classification provided (evidence only). Condition: Uterine corpus endometrial carcinoma. Review status: no classification provided. Collection method: in vitro. Allele origin: not applicable. Functional consequence: retained intron. Not counted in ClinVar's aggregate classification.

Dr. Peter K. Rogan Lab, Western University
No classification provided (evidence only). Condition: Hepatocellular carcinoma. Review status: no classification provided. Collection method: in vitro. Allele origin: not applicable. Functional consequence: retained intron. Not counted in ClinVar's aggregate classification.

Dr. Peter K. Rogan Lab, Western University
No classification provided (evidence only). Condition: Hepatocellular carcinoma. Review status: no classification provided. Collection method: in vitro. Allele origin: not applicable. Functional consequence: retained intron. Not counted in ClinVar's aggregate classification.

Dr. Peter K. Rogan Lab, Western University
No classification provided (evidence only). Condition: Hepatocellular carcinoma. Review status: no classification provided. Collection method: in vitro. Allele origin: not applicable. Functional consequence: retained intron. Not counted in ClinVar's aggregate classification.

Dr. Peter K. Rogan Lab, Western University
No classification provided (evidence only). Condition: Hepatocellular carcinoma. Review status: no classification provided. Collection method: in vitro. Allele origin: not applicable. Functional consequence: retained intron. Not counted in ClinVar's aggregate classification.

Dr. Peter K. Rogan Lab, Western University
No classification provided (evidence only). Condition: Gastric cancer. Review status: no classification provided. Collection method: in vitro. Allele origin: not applicable. Functional consequence: retained intron. Not counted in ClinVar's aggregate classification.

Dr. Peter K. Rogan Lab, Western University
No classification provided (evidence only). Condition: Malignant tumor of esophagus. Review status: no classification provided. Collection method: in vitro. Allele origin: not applicable. Functional consequence: retained intron. Not counted in ClinVar's aggregate classification.

Dr. Peter K. Rogan Lab, Western University
No classification provided (evidence only). Condition: Malignant tumor of esophagus. Review status: no classification provided. Collection method: in vitro. Allele origin: not applicable. Functional consequence: retained intron. Not counted in ClinVar's aggregate classification.

Dr. Peter K. Rogan Lab, Western University
No classification provided (evidence only). Condition: Malignant tumor of esophagus. Review status: no classification provided. Collection method: in vitro. Allele origin: not applicable. Functional consequence: retained intron. Not counted in ClinVar's aggregate classification.

Dr. Peter K. Rogan Lab, Western University
No classification provided (evidence only). Condition: Malignant tumor of esophagus. Review status: no classification provided. Collection method: in vitro. Allele origin: not applicable. Functional consequence: retained intron. Not counted in ClinVar's aggregate classification.

Dr. Peter K. Rogan Lab, Western University
No classification provided (evidence only). Condition: Malignant tumor of esophagus. Review status: no classification provided. Collection method: in vitro. Allele origin: not applicable. Functional consequence: retained intron. Not counted in ClinVar's aggregate classification.

Dr. Peter K. Rogan Lab, Western University
No classification provided (evidence only). Condition: Malignant tumor of esophagus. Review status: no classification provided. Collection method: in vitro. Allele origin: not applicable. Functional consequence: retained intron. Not counted in ClinVar's aggregate classification.

Dr. Peter K. Rogan Lab, Western University
No classification provided (evidence only). Condition: Malignant tumor of esophagus. Review status: no classification provided. Collection method: in vitro. Allele origin: not applicable. Functional consequence: retained intron. Not counted in ClinVar's aggregate classification.

NM_001257293.2(HNRNPH1):c.1266C>T (p.Gly422=)

Genes: HNRNPH1 (heterogeneous nuclear ribonucleoprotein H1; minus strand), LOC128966623 (uncharacterized LOC128966623; plus strand). Cytogenetic location: 5q35.3.
Variant type: single nucleotide variant.
Coding change: c.1266C>T on transcript NM_001257293.2 (MANE Select); coding-DNA position 1266, C replaced by T.
Protein change: p.Gly422=; no amino-acid change (glycine 422 retained).
Molecular consequence: synonymous variant.
Genome position (GRCh38, 1-based): chr5:179,616,160, G>A on the plus strand (C>T on the coding strand, the complement: HNRNPH1 is on the minus strand). VCF-style: chr5-179616160-G-A. GRCh37 (hg19) VCF-style: chr5-179043161-G-A.
Other names: NC_000005.9:g.179043161G>A; c.1206C>T, p.Gly402= (NM_001363572.2, NM_001364230.2, NM_001364232.2 and 5 more transcripts); c.1266C>T, p.Gly422= (NM_001364225.2, NM_001364226.2, NM_001364227.2 and 11 more transcripts); c.1275C>T, p.Gly425= (NM_001364231.2, NM_001395176.1); c.1185C>T, p.Gly395= (NM_001364240.2, NM_001364248.2); c.1245C>T, p.Gly415= (NM_001364241.2, NM_001364242.2, NM_001364243.2 and 3 more transcripts); c.1236C>T, p.Gly412= (NM_001364244.2, NM_001395181.1, NM_001395187.1 and 1 more transcripts); c.1110C>T, p.Gly370= (NM_001364250.2); and 8 more.
Identifiers: ClinVar variation 4314848 (VCV004314848.3).